The following is an entry in ClinVar:

ClinVar aggregate classification (germline): Uncertain significance (1 of 4 stars; one submission).

Conditions:
Birt-Hogg-Dube syndrome. Also called: Birt Hogg Dubé syndrome. Identifiers: Orphanet 122, MedGen C0346010, MONDO:0800444.

Submission:

Labcorp Genetics (formerly Invitae), Labcorp
Classification: Uncertain significance for Birt-Hogg-Dube syndrome. Last evaluated: 2022-02-22. Review status: criteria provided, single submitter. Criteria: Invitae Variant Classification Sherloc (09022015). Collection method: clinical testing. Allele origin: germline.
Comment: Algorithms developed to predict the effect of missense changes on protein structure and function output the following: SIFT: "Tolerated"; PolyPhen-2: "Benign"; Align-GVGD: "Class C0". The glutamine amino acid residue is found in multiple mammalian species, which suggests that this missense change does not adversely affect protein function. In summary, the available evidence is currently insufficient to determine the role of this variant in disease. Therefore, it has been classified as a Variant of Uncertain Significance. This variant has not been reported in the literature in individuals affected with FLCN-related conditions. This variant is not present in population databases (gnomAD no frequency). This sequence change replaces lysine, which is basic and polar, with glutamine, which is neutral and polar, at codon 100 of the FLCN protein (p.Lys100Gln).

NM_144997.7(FLCN):c.298A>C (p.Lys100Gln)

Gene: FLCN (folliculin; minus strand). Cytogenetic location: 17p11.2.
Variant type: single nucleotide variant.
Coding change: c.298A>C on transcript NM_144997.7 (MANE Select); coding-DNA position 298, A replaced by C.
Protein change: p.Lys100Gln; replaces lysine 100 with glutamine.
Molecular consequence: missense variant.
Genome position (GRCh38, 1-based): chr17:17,226,274, T>G on the plus strand (A>C on the coding strand, the complement: FLCN is on the minus strand). VCF-style: chr17-17226274-T-G. GRCh37 (hg19) VCF-style: chr17-17129588-T-G.
Other names: c.298A>C, p.Lys100Gln (NM_001353229.2, NM_001353230.2, NM_001353231.2 and 1 more transcripts); short protein forms K100Q.
Identifiers: ClinVar variation 2101396 (VCV002101396.4), dbSNP rs2544282658, ClinGen allele CA398534897.